The following is an entry in ClinVar:

ClinVar aggregate classification (germline): Benign/Likely benign. Review status: criteria provided, multiple submitters, no conflicts (2 of 4 stars). 5 submissions from 5 submitters: Benign (1); Likely benign (3). 1 of the submissions does not count toward it. Last evaluated 2026-01-28.

Conditions:
AUTS2-related disorder. Also called: AUTS2-related condition.

Allele frequency attached by ClinVar (database versions not stated): gnomAD exomes 0.00010 and 0.00025; ExAC 0.00026; ESP Exome Variant Server 0.00077; TOPMed 0.00085; gnomAD 0.00102; 1000 Genomes Project 30x 0.00109; 1000 Genomes Project 0.00120.
gnomAD v4.1: 269 of 1,614,080 alleles (0.017%); highest among the groups gnomAD compares: African/African-American, 0.28%; no homozygotes.

Submissions (5):

Labcorp Genetics (formerly Invitae), Labcorp
Classification: Likely benign. Last evaluated: 2026-01-28. Review status: criteria provided, single submitter. Criteria: Invitae Variant Classification Sherloc (09022015). Collection method: clinical testing. Allele origin: germline.

CeGaT Center for Human Genetics Tuebingen
Classification: Likely benign. Last evaluated: 2023-10-01. Review status: criteria provided, single submitter. Criteria: CeGaT Center For Human Genetics Tuebingen Variant Classification Criteria Version 2. Collection method: clinical testing. Allele origin: germline. Affected: yes. Observed: 1 variant allele.
Comment: AUTS2: BP4, BS1

GeneDx
Classification: Benign. Last evaluated: 2021-11-25. Review status: criteria provided, single submitter. Criteria: GeneDx Variant Classification Process June 2021. Collection method: clinical testing. Allele origin: germline. Affected: yes.

Institute for Genomic Medicine (IGM) Clinical Laboratory, Nationwide Children's Hospital
Classification: Likely benign. Last evaluated: 2017-08-22. Review status: criteria provided, single submitter. Criteria: ACMG Guidelines, 2015. Collection method: clinical testing. Allele origin: germline.
Comment: BS1, BP4; This alteration has an allele frequency that is greater than expected for the associated disease, and is predicted to be tolerated by multiple functional prediction tools.

PreventionGenetics, part of Exact Sciences
Classification: Likely benign for AUTS2-related condition. Last evaluated: 2024-02-16. Review status: no assertion criteria provided. Collection method: clinical testing. Allele origin: germline. Not counted in ClinVar's aggregate classification.
Comment: This variant is classified as likely benign based on ACMG/AMP sequence variant interpretation guidelines (Richards et al. 2015 PMID: 25741868, with internal and published modifications).

NM_015570.4(AUTS2):c.865A>G (p.Ile289Val)

Gene: AUTS2 (activator of transcription and developmental regulator AUTS2; plus strand). Cytogenetic location: 7q11.22.
Variant type: single nucleotide variant.
Coding change: c.865A>G on transcript NM_015570.4 (MANE Select); coding-DNA position 865, A replaced by G.
Protein change: p.Ile289Val; replaces isoleucine 289 with valine.
Molecular consequence: missense variant.
Genome position (GRCh38, 1-based): chr7:70,762,992, A>G. VCF-style: chr7-70762992-A-G. GRCh37 (hg19) VCF-style: chr7-70227978-A-G.
Other names: c.865A>G, p.Ile289Val (NM_001127231.3); short protein forms I289V.
Identifiers: ClinVar variation 599436 (VCV000599436.40), dbSNP rs148610030, ClinGen allele CA4280503.
Genomic context (GRCh38, chr7:70,762,992, plus strand): 5'-CCCAAGATATCGGGTCTAGAGAGAAGCCAGGAGAAGAGCCAGGACTGTTGCAAAGAGCCA[A>G]TCTTTGAGCCTGTGGTGCTTAAAGACCCCTGCCCTCAGGTCGCACAGCCAATACCCCAGC-3'
Protein context (NP_056385.1, residues 279-299): EKSQDCCKEP[Ile289Val]FEPVVLKDPC